The following is an entry in ClinVar:

NM_003630.3(PEX3):c.456+3A>G

Gene: PEX3 (peroxisomal biogenesis factor 3; plus strand). Cytogenetic location: 6q24.2.
Variant type: single nucleotide variant.
Coding change: c.456+3A>G on transcript NM_003630.3 (MANE Select); 3 bases into the intron after coding-DNA position 456, A replaced by G.
Molecular consequence: intron variant.
Genome position (GRCh38, 1-based): chr6:143,471,088, A>G. VCF-style: chr6-143471088-A-G. GRCh37 (hg19) VCF-style: chr6-143792225-A-G.
Identifiers: ClinVar variation 197754 (VCV000197754.12), dbSNP rs113147921, ClinGen allele CA246072.

ClinVar aggregate classification (germline): Conflicting classifications of pathogenicity. Review status: criteria provided, conflicting classifications (1 of 4 stars). 5 submissions from 5 submitters: Uncertain significance (3); Likely benign (1). 1 of the submissions does not count toward it. Last evaluated 2024-10-31.

Conditions:
PEX3-related disorder. Also called: PEX3-related condition.

Allele frequency attached by ClinVar (database versions not stated): gnomAD exomes 0.00003 and 0.00006; ExAC 0.00007; gnomAD 0.00017 and 0.00023; TOPMed 0.00022; ESP Exome Variant Server 0.00023; 1000 Genomes Project 30x 0.00047; 1000 Genomes Project 0.00060.
gnomAD v4.1: 97 of 1,612,856 alleles (0.006%); highest among the groups gnomAD compares: African/African-American, 0.087%; 1 homozygote.

Submissions (5):

Blueprint Genetics
Classification: Likely benign. Last evaluated: 2024-10-31. Review status: criteria provided, single submitter. Criteria: ACMG Guidelines, 2015. Collection method: clinical testing. Allele origin: germline.

Women's Health and Genetics/Laboratory Corporation of America, LabCorp
Classification: Uncertain significance. Last evaluated: 2023-10-29. Review status: criteria provided, single submitter. Criteria: LabCorp Variant Classification Summary - May 2015. Collection method: clinical testing. Allele origin: germline.

Labcorp Genetics (formerly Invitae), Labcorp
Classification: Uncertain significance. Last evaluated: 2022-11-01. Review status: criteria provided, single submitter. Criteria: Invitae Variant Classification Sherloc (09022015). Collection method: clinical testing. Allele origin: germline.
Comment: This sequence change falls in intron 5 of the PEX3 gene. It does not directly change the encoded amino acid sequence of the PEX3 protein. It affects a nucleotide within the consensus splice site. This variant is present in population databases (rs113147921, gnomAD 0.05%). This variant has not been reported in the literature in individuals affected with PEX3-related conditions. ClinVar contains an entry for this variant (Variation ID: 197754). Variants that disrupt the consensus splice site are a relatively common cause of aberrant splicing (PMID: 17576681, 9536098). Algorithms developed to predict the effect of sequence changes on RNA splicing suggest that this variant is not likely to affect RNA splicing. In summary, the available evidence is currently insufficient to determine the role of this variant in disease. Therefore, it has been classified as a Variant of Uncertain Significance.

Eurofins Ntd Llc (ga)
Classification: Uncertain significance. Last evaluated: 2016-12-16. Review status: criteria provided, single submitter. Criteria: EGL Classification Definitions 2015. Collection method: clinical testing. Allele origin: germline. Observed: 2 variant alleles, 2 heterozygotes.

PreventionGenetics, part of Exact Sciences
Classification: Uncertain significance for PEX3-related condition. Last evaluated: 2024-07-30. Review status: no assertion criteria provided. Collection method: clinical testing. Allele origin: germline. Not counted in ClinVar's aggregate classification.
Comment: The PEX3 c.456+3A>G variant is predicted to interfere with splicing. This variant is not predicted to impact splicing based on splicing prediction programs (SpliceAI, Jaganathan K, et al. 2019. PubMed ID: 30661751). To our knowledge, this variant has not been reported in the literature. This variant is reported in 0.052% of alleles in individuals of African descent in gnomAD, which may be too frequent for an unreported disease-causing variant. This variant has been interpreted in ClinVar as uncertain. Although we suspect that this variant may be benign, at this time, the clinical significance of this variant is uncertain due to the absence of conclusive functional and genetic evidence.

Literature cited by the submitters: PubMed 17576681 (cited by Labcorp Genetics (formerly Invitae), Labcorp); PubMed 9536098 (cited by Labcorp Genetics (formerly Invitae), Labcorp).